The following is an entry in ClinVar:

ClinVar aggregate classification (germline): Likely benign (0 of 4 stars; one submission).

Conditions:
SLC10A2-related disorder. Also called: SLC10A2-related condition.

Allele frequency attached by ClinVar (database versions not stated): gnomAD exomes below 0.00001.

Submission:

PreventionGenetics, part of Exact Sciences
Classification: Likely benign for SLC10A2-related condition. Last evaluated: 2019-04-04. Review status: no assertion criteria provided. Collection method: clinical testing. Allele origin: germline.
Comment: This variant is classified as likely benign based on ACMG/AMP sequence variant interpretation guidelines (Richards et al. 2015 PMID: 25741868, with internal and published modifications).

NM_000452.3(SLC10A2):c.483C>T (p.Pro161=)

Gene: SLC10A2 (solute carrier family 10 member 2; minus strand). Cytogenetic location: 13q33.1.
Variant type: single nucleotide variant.
Coding change: c.483C>T on transcript NM_000452.3 (MANE Select); coding-DNA position 483, C replaced by T.
Protein change: p.Pro161=; no amino-acid change (proline 161 retained).
Molecular consequence: synonymous variant.
Genome position (GRCh38, 1-based): chr13:103,058,277, G>A on the plus strand (C>T on the coding strand, the complement: SLC10A2 is on the minus strand). VCF-style: chr13-103058277-G-A. GRCh37 (hg19) VCF-style: chr13-103710627-G-A.
Identifiers: ClinVar variation 3036972 (VCV003036972.2), dbSNP rs1875998201, ClinGen allele CA484781336.